The following is an entry in ClinVar:

ClinVar aggregate classification (germline): Uncertain significance (1 of 4 stars; one submission).

Conditions:
TNRC6B-related disorder. Also called: TNRC6B-related condition.

Submission:

PreventionGenetics, part of Exact Sciences
Classification: Uncertain significance for TNRC6B-related condition. Last evaluated: 2025-02-03. Review status: criteria provided, single submitter. Criteria: ACMG Guidelines, 2015. Collection method: clinical testing. Allele origin: germline.
Comment: The TNRC6B c.910C>A variant is predicted to result in the amino acid substitution p.Pro304Thr. To our knowledge, this variant has not been reported in the literature or in a large population database (gnomAD), indicating this variant is rare. At this time, the clinical significance of this variant is uncertain due to the absence of conclusive functional and genetic evidence.

NM_001162501.2(TNRC6B):c.910C>A (p.Pro304Thr)

Gene: TNRC6B (trinucleotide repeat containing adaptor 6B; plus strand). Cytogenetic location: 22q13.1.
Variant type: single nucleotide variant.
Coding change: c.910C>A on transcript NM_001162501.2 (MANE Select); coding-DNA position 910, C replaced by A.
Protein change: p.Pro304Thr; replaces proline 304 with threonine.
Molecular consequence: missense variant. On other transcripts: intron variant (1).
Genome position (GRCh38, 1-based): chr22:40,265,140, C>A. VCF-style: chr22-40265140-C-A. GRCh37 (hg19) VCF-style: chr22-40661144-C-A.
Other names: c.910C>A, p.Pro304Thr (NM_015088.3); c.565+2967C>A (NM_001024843.2); short protein forms P304T.
Identifiers: ClinVar variation 5001115 (VCV005001115.1).